The following is an entry in ClinVar:

ClinVar aggregate classification (germline): Uncertain significance (1 of 4 stars; one submission).

Allele frequency attached by ClinVar (database versions not stated): gnomAD 0.00001; TOPMed 0.00001.

Submission:

Labcorp Genetics (formerly Invitae), Labcorp
Classification: Uncertain significance. Last evaluated: 2021-12-22. Review status: criteria provided, single submitter. Criteria: Invitae Variant Classification Sherloc (09022015). Collection method: clinical testing. Allele origin: germline.
Comment: In summary, the available evidence is currently insufficient to determine the role of this variant in disease. Therefore, it has been classified as a Variant of Uncertain Significance. Variants that disrupt the consensus splice site are a relatively common cause of aberrant splicing (PMID: 17576681, 9536098). Algorithms developed to predict the effect of sequence changes on RNA splicing suggest that this variant may disrupt the consensus splice site. Algorithms developed to predict the effect of missense changes on protein structure and function are either unavailable or do not agree on the potential impact of this missense change (SIFT: "Deleterious"; PolyPhen-2: "Probably Damaging"; Align-GVGD: "Class C0"). This variant has not been reported in the literature in individuals affected with CNGA1-related conditions. This variant is not present in population databases (gnomAD no frequency). This sequence change replaces arginine, which is basic and polar, with isoleucine, which is neutral and non-polar, at codon 186 of the CNGA1 protein (p.Arg186Ile). This variant also falls at the last nucleotide of exon 9, which is part of the consensus splice site for this exon.

Literature cited by the submitters: PubMed 17576681; PubMed 9536098.

NM_001379270.1(CNGA1):c.545G>T (p.Arg182Ile)

Genes: CNGA1 (cyclic nucleotide gated channel subunit alpha 1; minus strand), LOC101927157 (uncharacterized LOC101927157; plus strand). Cytogenetic location: 4p12.
Variant type: single nucleotide variant.
Coding change: c.545G>T on transcript NM_001379270.1 (MANE Select); coding-DNA position 545, G replaced by T.
Protein change: p.Arg182Ile; replaces arginine 182 with isoleucine.
Molecular consequence: missense variant.
Genome position (GRCh38, 1-based): chr4:47,942,041, C>A on the plus strand (G>T on the coding strand, the complement: CNGA1 is on the minus strand). VCF-style: chr4-47942041-C-A. GRCh37 (hg19) VCF-style: chr4-47944058-C-A.
Other names: c.545G>T, p.Arg182Ile (NM_000087.5, NM_001142564.2); c.557G>T, p.Arg186Ile (NM_001375386.1); short protein forms R182I, R186I.
Identifiers: ClinVar variation 2053359 (VCV002053359.4), dbSNP rs1285032547, ClinGen allele CA356831372.
Genomic context (GRCh38, chr4:47,942,041, plus strand): 5'-AACTTGGAAACTAGAAATGGGGTGAGATCCACAAAAAAAAAAAAAAAAAATTATAGACAC[C>A]TGGCAATAACCATTGTCCAGTTGTACATAACAGGTAATGTGATGCAAAACAGCCAGTTGT-3'
Protein context (NP_001366199.1, residues 172-192): VMYNWTMVIA[Arg182Ile]ACFDELQSDY